The following is an entry in ClinVar:

ClinVar aggregate classification (germline): Uncertain significance (1 of 4 stars; one submission).

Submission:

Dasa
Classification: Uncertain significance. Last evaluated: 2025-03-14. Review status: criteria provided, single submitter. Criteria: DASA Assertion Criteria. Collection method: clinical testing. Allele origin: germline.
Comment: NM_030665.4(RAI1):c.2016G>T (p.Gln672His) is a missense variant that results in the substitution of glutamine with histidine. This variant is absent from population databases. Computational prediction algorithms are consistent with a benign effect. The currently available literature and clinical evidence are not sufficient to establish a definitive association between this variant and the reported condition. Therefore, this variant is classified as a variant of uncertain significance.

NM_030665.4(RAI1):c.2016G>T (p.Gln672His)

Gene: RAI1 (retinoic acid induced 1; plus strand). Cytogenetic location: 17p11.2.
Variant type: single nucleotide variant.
Coding change: c.2016G>T on transcript NM_030665.4 (MANE Select); coding-DNA position 2016, G replaced by T.
Protein change: p.Gln672His; replaces glutamine 672 with histidine.
Molecular consequence: missense variant.
Genome position (GRCh38, 1-based): chr17:17,794,964, G>T. VCF-style: chr17-17794964-G-T. GRCh37 (hg19) VCF-style: chr17-17698278-G-T.
Other names: short protein forms Q672H.
Identifiers: ClinVar variation 4883355 (VCV004883355.2).
Genomic context (GRCh38, chr17:17,794,964, plus strand): 5'-TGTGGCCAAGAGTGCGTGGCCCCGGCCTGGGGAGCCGGAGGCCCTGCCCGACTCCTTGCA[G>T]CTGGACAAGGGCGGCAATGCCAAGGACTTCAGCCCAGGGCTGTTTGAAGACCCTTCCGTG-3'
Protein context (NP_109590.3, residues 662-682): GEPEALPDSL[Gln672His]LDKGGNAKDF